The following is an entry in ClinVar:

NM_001366385.1(CARD14):c.388G>A (p.Gly130Arg)

Gene: CARD14 (caspase recruitment domain family member 14; plus strand). Cytogenetic location: 17q25.3.
Variant type: single nucleotide variant.
Coding change: c.388G>A on transcript NM_001366385.1 (MANE Select); coding-DNA position 388, G replaced by A.
Protein change: p.Gly130Arg; replaces glycine 130 with arginine.
Molecular consequence: missense variant. On other transcripts: non-coding transcript variant (1).
Genome position (GRCh38, 1-based): chr17:80,183,951, G>A. VCF-style: chr17-80183951-G-A. GRCh37 (hg19) VCF-style: chr17-78157750-G-A.
Other names: c.388G>A, p.Gly130Arg (NM_001257970.1, NM_024110.4); short protein forms G130R.
Identifiers: ClinVar variation 3762983 (VCV003762983.2).

ClinVar aggregate classification (germline): Uncertain significance (1 of 4 stars; one submission).

Conditions:
Pityriasis rubra pilaris (PRP). Also called: Pityriasis rubra pilaris--familial type. Identifiers: Orphanet 2897, MedGen C0032027, MONDO:0100017, OMIM 173200, MONDO:0008251.
Psoriasis 2. Identifiers: MedGen C1864497, MONDO:0011269, OMIM 602723.

gnomAD v4.1: 7 of 1,542,348 alleles (0.00045%); highest among the groups gnomAD compares: Admixed American, 0.014%; no homozygotes.

Submission:

Labcorp Genetics (formerly Invitae), Labcorp
Classification: Uncertain significance for Pityriasis rubra pilaris; Psoriasis 2. Last evaluated: 2025-01-01. Review status: criteria provided, single submitter. Criteria: Invitae Variant Classification Sherloc (09022015). Collection method: clinical testing. Allele origin: germline.
Comment: This sequence change replaces glycine, which is neutral and non-polar, with arginine, which is basic and polar, at codon 130 of the CARD14 protein (p.Gly130Arg). This variant is present in population databases (rs776911365, gnomAD 0.03%). This variant has not been reported in the literature in individuals affected with CARD14-related conditions. Invitae Evidence Modeling of protein sequence and biophysical properties (such as structural, functional, and spatial information, amino acid conservation, physicochemical variation, residue mobility, and thermodynamic stability) indicates that this missense variant is not expected to disrupt CARD14 protein function with a negative predictive value of 95%. In summary, the available evidence is currently insufficient to determine the role of this variant in disease. Therefore, it has been classified as a Variant of Uncertain Significance.